The following is an entry in ClinVar:

NM_018238.4(AGK):c.499G>A (p.Glu167Lys)

Gene: AGK (acylglycerol kinase; plus strand). Cytogenetic location: 7q34.
Variant type: single nucleotide variant.
Coding change: c.499G>A on transcript NM_018238.4 (MANE Select); coding-DNA position 499, G replaced by A.
Protein change: p.Glu167Lys; replaces glutamic acid 167 with lysine.
Molecular consequence: missense variant.
Genome position (GRCh38, 1-based): chr7:141,615,546, G>A. VCF-style: chr7-141615546-G-A. GRCh37 (hg19) VCF-style: chr7-141315346-G-A.
Other names: c.499G>A, p.Glu167Lys (NM_001364948.3); short protein forms E167K.
Identifiers: ClinVar variation 2938193 (VCV002938193.3), dbSNP rs141323107, ClinGen allele CA4517474.

ClinVar aggregate classification (germline): Uncertain significance (1 of 4 stars; one submission).

Conditions:
Sengers syndrome. Also called: MITOCHONDRIAL DNA DEPLETION SYNDROME 10 (CARDIOMYOPATHIC TYPE); Cardiomyopathy and cataract. Identifiers: Orphanet 1369, MedGen C1859317, MONDO:0008922, OMIM 212350.
Cataract 38. Also called: Cataract, autosomal recessive congenital 5; Cataract 38, autosomal recessive. Identifiers: Orphanet 91492, MedGen C3553494, MONDO:0013859, OMIM 614691.

Allele frequency attached by ClinVar (database versions not stated): gnomAD exomes 0.00003; ExAC 0.00004; gnomAD 0.00013; TOPMed 0.00013; 1000 Genomes Project 30x 0.00016; 1000 Genomes Project 0.00020; ESP Exome Variant Server 0.00023.
gnomAD v4.1: 58 of 1,613,614 alleles (0.0036%); highest among the groups gnomAD compares: African/African-American, 0.039%; no homozygotes.

Submission:

Labcorp Genetics (formerly Invitae), Labcorp
Classification: Uncertain significance for Sengers syndrome; Cataract 38. Last evaluated: 2025-11-03. Review status: criteria provided, single submitter. Criteria: Invitae Variant Classification Sherloc (09022015). Collection method: clinical testing. Allele origin: germline.
Comment: This sequence change replaces glutamic acid, which is acidic and polar, with lysine, which is basic and polar, at codon 167 of the AGK protein (p.Glu167Lys). This variant is present in population databases (rs141323107, gnomAD 0.05%). This variant has not been reported in the literature in individuals affected with AGK-related conditions. ClinVar contains an entry for this variant (Variation ID: 2938193). An algorithm developed to predict the effect of missense changes on protein structure and function outputs the following: PolyPhen-2: "Benign". The lysine amino acid residue is found in multiple mammalian species, which suggests that this missense change does not adversely affect protein function. Algorithms developed to predict the effect of sequence changes on RNA splicing suggest that this variant may disrupt the consensus splice site. In summary, the available evidence is currently insufficient to determine the role of this variant in disease. Therefore, it has been classified as a Variant of Uncertain Significance.